The following is an entry in ClinVar:

NM_198578.4(LRRK2):c.4679A>T (p.Asn1560Ile)

Gene: LRRK2 (leucine rich repeat kinase 2; plus strand). Cytogenetic location: 12q12.
Variant type: single nucleotide variant.
Coding change: c.4679A>T on transcript NM_198578.4 (MANE Select); coding-DNA position 4679, A replaced by T.
Protein change: p.Asn1560Ile; replaces asparagine 1560 with isoleucine.
Molecular consequence: missense variant.
Genome position (GRCh38, 1-based): chr12:40,314,114, A>T. VCF-style: chr12-40314114-A-T. GRCh37 (hg19) VCF-style: chr12-40707916-A-T.
Other names: short protein forms N1560I.
Identifiers: ClinVar variation 1742367 (VCV001742367.3), dbSNP rs763303744, ClinGen allele CA6514248.

ClinVar aggregate classification (germline): Uncertain significance (1 of 4 stars; one submission).

Conditions:
Inborn genetic diseases. Identifiers: MedGen C0950123, MeSH D030342.

Allele frequency attached by ClinVar (database versions not stated): ExAC 0.00001; gnomAD 0.00001; TOPMed 0.00001; gnomAD exomes 0.00002.
gnomAD v4.1: 22 of 1,612,638 alleles (0.0014%); highest among the groups gnomAD compares: Non-Finnish European, 0.0019%; no homozygotes.

Submission:

Ambry Genetics
Classification: Uncertain significance for Inborn genetic diseases. Last evaluated: 2024-04-29. Review status: criteria provided, single submitter. Criteria: Ambry Variant Classification Scheme 2023. Collection method: clinical testing. Allele origin: germline.
Comment: The p.N1560I variant (also known as c.4679A>T), located in coding exon 32 of the LRRK2 gene, results from an A to T substitution at nucleotide position 4679. The asparagine at codon 1560 is replaced by isoleucine, an amino acid with dissimilar properties. This amino acid position is conserved. In addition, this alteration is predicted to be tolerated by in silico analysis. Since supporting evidence is limited at this time, the clinical significance of this alteration remains unclear.